The following is an entry in ClinVar:

ClinVar aggregate classification (germline): Uncertain significance (1 of 4 stars; one submission).

Submission:

Labcorp Genetics (formerly Invitae), Labcorp
Classification: Uncertain significance. Last evaluated: 2022-03-19. Review status: criteria provided, single submitter. Criteria: Invitae Variant Classification Sherloc (09022015). Collection method: clinical testing. Allele origin: germline.
Comment: This variant, c.2930_2932dup, results in the insertion of 1 amino acid(s) of the AP3D1 protein (p.Gln977dup), but otherwise preserves the integrity of the reading frame. This variant is not present in population databases (gnomAD no frequency). This variant has not been reported in the literature in individuals affected with AP3D1-related conditions. Experimental studies and prediction algorithms are not available or were not evaluated, and the functional significance of this variant is currently unknown. In summary, the available evidence is currently insufficient to determine the role of this variant in disease. Therefore, it has been classified as a Variant of Uncertain Significance.

NM_001261826.3(AP3D1):c.2927AGC[3] (p.Gln977dup)

Gene: AP3D1 (adaptor related protein complex 3 subunit delta 1; minus strand). Cytogenetic location: 19p13.3.
Variant type: Microsatellite.
Coding change: c.2927AGC[3] on transcript NM_001261826.3 (MANE Select); three copies in a row of the 3-base unit AGC starting at c.2927; the reference has two copies in a row; one copy, 3 bases duplicated.
Protein change: p.Gln977dup; duplicates glutamine 977.
Molecular consequence: inframe insertion.
Genome position (GRCh38, 1-based): chr19:2,111,684-2,111,686, GCT duplicated on the plus strand (AGC on the coding strand, the reverse complement: AP3D1 is on the minus strand); duplicating any 3 consecutive bases within chr19:2,111,684-2,111,689 gives the same sequence; the position shown is the placement nearest the transcript's 3' end. VCF-style (leftmost placement, unchanged base first): chr19-2111683-A-AGCT. GRCh37 (hg19) VCF-style: chr19-2111682-A-AGCT.
Other names: c.2891AGC[3], p.Gln965dup (NM_001374799.1); c.2741AGC[3], p.Gln915dup (NM_003938.8).
Identifiers: ClinVar variation 1354831 (VCV001354831.6), dbSNP rs2145021114, ClinGen allele CA2576556242.